The following is an entry in ClinVar:

ClinVar aggregate classification (germline): Likely benign. Review status: criteria provided, multiple submitters, no conflicts (2 of 4 stars). 2 submissions from 2 submitters: Likely benign (2). Last evaluated 2026-05-27.

Conditions:
Gastrointestinal stromal tumor. Also called: Gastrointestinal stroma tumor; Gastrointestinal stromal tumor, somatic. Identifiers: Orphanet 44890, MedGen C0238198, MeSH D046152, MONDO:0011719, OMIM 606764, HP:0100723.

Allele frequency attached by ClinVar (database versions not stated): ExAC 0.00001; TOPMed 0.00001; gnomAD exomes below 0.00001.
gnomAD v4.1: 2 of 1,497,484 alleles (0.00013%); highest among the groups gnomAD compares: African/African-American, 0.0014%; no homozygotes.

Submissions (2):

Myriad Genetics, Inc.
Classification: Likely benign for Gastrointestinal stromal tumor. Last evaluated: 2026-05-27. Review status: criteria provided, single submitter. Criteria: Myriad Autosomal Dominant, Autosomal Recessive and X-Linked Classification Criteria (2023). Collection method: clinical testing. Allele origin: unknown.
Comment: This variant is considered likely benign. This variant is intronic and is not expected to impact mRNA splicing.

Labcorp Genetics (formerly Invitae), Labcorp
Classification: Likely benign for Gastrointestinal stromal tumor. Last evaluated: 2025-10-23. Review status: criteria provided, single submitter. Criteria: Invitae Variant Classification Sherloc (09022015). Collection method: clinical testing. Allele origin: germline.

NM_000222.3(KIT):c.1231+8A>G

Gene: KIT (KIT proto-oncogene, receptor tyrosine kinase; plus strand). Cytogenetic location: 4q12.
Variant type: single nucleotide variant.
Coding change: c.1231+8A>G on transcript NM_000222.3 (MANE Select); 8 bases into the intron after coding-DNA position 1231, A replaced by G.
Molecular consequence: intron variant.
Genome position (GRCh38, 1-based): chr4:54,709,547, A>G. VCF-style: chr4-54709547-A-G. GRCh37 (hg19) VCF-style: chr4-55575713-A-G.
Other names: c.1234+8A>G (NM_001385284.1, NM_001385290.1, NM_001385288.1 and 1 more transcripts); c.1231+8A>G (NM_001385285.1, NM_001093772.2, NM_001385286.1).
Identifiers: ClinVar variation 458858 (VCV000458858.13), dbSNP rs776973839, ClinGen allele CA2923413.